The following is an entry in ClinVar:

NM_017780.4(CHD7):c.5210+286G>A

Gene: CHD7 (chromodomain helicase DNA binding protein 7; plus strand). Cytogenetic location: 8q12.2.
Variant type: single nucleotide variant.
Coding change: c.5210+286G>A on transcript NM_017780.4 (MANE Select); 286 bases into the intron after coding-DNA position 5210, G replaced by A.
Molecular consequence: intron variant.
Genome position (GRCh38, 1-based): chr8:60,845,695, G>A. VCF-style: chr8-60845695-G-A. GRCh37 (hg19) VCF-style: chr8-61758254-G-A.
Other names: c.1717-16534G>A (NM_001316690.1).
Identifiers: ClinVar variation 667608 (VCV000667608.1), dbSNP rs10957162, ClinGen allele CA12939898.
Genomic context (GRCh38, chr8:60,845,695, plus strand): 5'-TATTGCCTTTGCACAGCCTTATCATTTTTCTTGAAATGTGGTGTCAAGTTGCAGGAGAGC[G>A]TACCTTTAGGTGACTGATTATTTTTTAACATGGTAAGATACACAACACAACGTTTACCAT-3'

ClinVar aggregate classification (germline): Benign (1 of 4 stars; one submission).

Allele frequency attached by ClinVar (database versions not stated): TOPMed 0.77218; gnomAD 0.77594 and 0.78191; 1000 Genomes Project 30x 0.83089; 1000 Genomes Project 0.83806.
gnomAD v4.1: 118,898 of 152,220 alleles (78%); highest among the groups gnomAD compares: East Asian, 94%; 46,661 homozygotes.

Submission:

GeneDx
Classification: Benign. Last evaluated: 2018-06-19. Review status: criteria provided, single submitter. Criteria: GeneDx Variant Classification (06012015). Collection method: clinical testing. Allele origin: germline. Affected: yes.
Comment: This variant is considered likely benign or benign based on one or more of the following criteria: it is a conservative change, it occurs at a poorly conserved position in the protein, it is predicted to be benign by multiple in silico algorithms, and/or has population frequency not consistent with disease.